The following is an entry in ClinVar:

ClinVar aggregate classification (germline): Likely pathogenic (1 of 4 stars; one submission).

gnomAD v4.1: 1 of 1,614,024 alleles (0.000062%); highest among the groups gnomAD compares: African/African-American, 0.0013%; no homozygotes.

Submission:

Labcorp Genetics (formerly Invitae), Labcorp
Classification: Likely pathogenic. Last evaluated: 2025-03-23. Review status: criteria provided, single submitter. Criteria: Invitae Variant Classification Sherloc (09022015). Collection method: clinical testing. Allele origin: germline.
Comment: This sequence change affects an acceptor splice site in intron 9 of the SLC34A2 gene. It is expected to disrupt RNA splicing. Variants that disrupt the donor or acceptor splice site typically lead to a loss of protein function (PMID: 16199547), and loss-of-function variants in SLC34A2 are known to be pathogenic (PMID: 16960801). This variant is not present in population databases (gnomAD no frequency). This variant has not been reported in the literature in individuals affected with SLC34A2-related conditions. Algorithms developed to predict the effect of sequence changes on RNA splicing suggest that this variant may disrupt the consensus splice site. In summary, the currently available evidence indicates that the variant is pathogenic, but additional data are needed to prove that conclusively. Therefore, this variant has been classified as Likely Pathogenic.

Literature cited by the submitters: PubMed 16199547; PubMed 16960801.

NM_006424.3(SLC34A2):c.1049-2A>T

Gene: SLC34A2 (solute carrier family 34 member 2; plus strand). Cytogenetic location: 4p15.2.
Variant type: single nucleotide variant.
Coding change: c.1049-2A>T on transcript NM_006424.3 (MANE Select); the canonical splice acceptor site of the intron before coding-DNA position 1049, A replaced by T.
Molecular consequence: splice acceptor variant.
Genome position (GRCh38, 1-based): chr4:25,673,085, A>T. VCF-style: chr4-25673085-A-T. GRCh37 (hg19) VCF-style: chr4-25674707-A-T.
Other names: c.1046-2A>T (NM_001177998.2, NM_001177999.2).
Identifiers: ClinVar variation 4768681 (VCV004768681.1).